The following is an entry in ClinVar:

ClinVar aggregate classification (germline): Uncertain significance (1 of 4 stars; one submission).

gnomAD v4.1: 5 of 1,613,798 alleles (0.00031%); highest among the groups gnomAD compares: African/African-American, 0.0067%; no homozygotes.

Submission:

GeneDx
Classification: Uncertain significance. Last evaluated: 2025-03-17. Review status: criteria provided, single submitter. Criteria: GeneDx Variant Classification Process June 2021. Collection method: clinical testing. Allele origin: germline. Affected: yes.
Comment: In silico analysis indicates that this variant does not alter splicing; Has not been previously published as pathogenic or benign to our knowledge

NM_001242908.2(RSPO1):c.333C>T (p.Cys111=)

Gene: RSPO1 (R-spondin 1; minus strand). Cytogenetic location: 1p34.3.
Variant type: single nucleotide variant.
Coding change: c.333C>T on transcript NM_001242908.2 (MANE Select); coding-DNA position 333, C replaced by T.
Protein change: p.Cys111=; no amino-acid change (cysteine 111 retained).
Molecular consequence: synonymous variant.
Genome position (GRCh38, 1-based): chr1:37,614,287, G>A on the plus strand (C>T on the coding strand, the complement: RSPO1 is on the minus strand). VCF-style: chr1-37614287-G-A. GRCh37 (hg19) VCF-style: chr1-38079959-G-A.
Other names: c.333C>T, p.Cys111= (NM_001038633.4, NM_001242910.2); c.252C>T, p.Cys84= (NM_001242909.2).
Identifiers: ClinVar variation 4086715 (VCV004086715.1).